The following is an entry in ClinVar:

NM_006059.4(LAMC3):c.995G>A (p.Arg332His)

Gene: LAMC3 (laminin subunit gamma 3; plus strand). Cytogenetic location: 9q34.12.
Variant type: single nucleotide variant.
Coding change: c.995G>A on transcript NM_006059.4 (MANE Select); coding-DNA position 995, G replaced by A.
Protein change: p.Arg332His; replaces arginine 332 with histidine.
Molecular consequence: missense variant.
Genome position (GRCh38, 1-based): chr9:131,038,882, G>A. VCF-style: chr9-131038882-G-A. GRCh37 (hg19) VCF-style: chr9-133914269-G-A.
Other names: short protein forms R332H.
Identifiers: ClinVar variation 978902 (VCV000978902.11), dbSNP rs149861552, ClinGen allele CA5286903.

ClinVar aggregate classification (germline): Uncertain significance. Review status: criteria provided, multiple submitters, no conflicts (2 of 4 stars). 4 submissions from 4 submitters: Uncertain significance (4). Last evaluated 2023-12-01.

Conditions:
Inborn genetic diseases. Identifiers: MedGen C0950123, MeSH D030342.
Intellectual disability. Also called: intellectual disabilities; Intellectual developmental disorder; Intellectual functioning disability. Identifiers: MedGen C3714756, MeSH D008607, MONDO:0001071, HP:0001249.

Allele frequency attached by ClinVar (database versions not stated): gnomAD exomes 0.00021; TOPMed 0.00025; gnomAD 0.00023; ESP Exome Variant Server 0.00031; 1000 Genomes Project 30x 0.00016; 1000 Genomes Project 0.00020.
gnomAD v4.1: 347 of 1,612,996 alleles (0.022%); highest among the groups gnomAD compares: African/African-American, 0.059%; no homozygotes.

Submissions (4):

Labcorp Genetics (formerly Invitae), Labcorp
Classification: Uncertain significance. Last evaluated: 2023-12-01. Review status: criteria provided, single submitter. Criteria: Invitae Variant Classification Sherloc (09022015). Collection method: clinical testing. Allele origin: germline.
Comment: This sequence change replaces arginine, which is basic and polar, with histidine, which is basic and polar, at codon 332 of the LAMC3 protein (p.Arg332His). This variant is present in population databases (rs149861552, gnomAD 0.04%). This variant has not been reported in the literature in individuals affected with LAMC3-related conditions. ClinVar contains an entry for this variant (Variation ID: 978902). Algorithms developed to predict the effect of missense changes on protein structure and function output the following: SIFT: "Not Available"; PolyPhen-2: "Benign"; Align-GVGD: "Not Available". The histidine amino acid residue is found in multiple mammalian species, which suggests that this missense change does not adversely affect protein function. In summary, the available evidence is currently insufficient to determine the role of this variant in disease. Therefore, it has been classified as a Variant of Uncertain Significance.

GeneDx
Classification: Uncertain significance. Last evaluated: 2022-10-07. Review status: criteria provided, single submitter. Criteria: GeneDx Variant Classification Process June 2021. Collection method: clinical testing. Allele origin: germline. Affected: yes.
Comment: In silico analysis supports that this missense variant does not alter protein structure/function; Has not been previously published as pathogenic or benign to our knowledge

Ambry Genetics
Classification: Uncertain significance for Inborn genetic diseases. Last evaluated: 2020-10-30. Review status: criteria provided, single submitter. Criteria: Ambry Variant Classification Scheme 2023. Collection method: clinical testing. Allele origin: germline.
Comment: The c.995G>A (p.R332H) alteration is located in exon 5 (coding exon 5) of the LAMC3 gene. This alteration results from a G to A substitution at nucleotide position 995, causing the arginine (R) at amino acid position 332 to be replaced by a histidine (H). Based on data from the Genome Aggregation Database (gnomAD) database, the LAMC3 c.995G>A alteration was observed in 0.02% (47/281328) of total alleles studied, with a frequency of 0.04% (9/24834) in the African subpopulation. This amino acid position is poorly conserved in available vertebrate species. The p.R332H alteration is predicted to be tolerated by in silico analysis. Based on insufficient or conflicting evidence, the clinical significance of this alteration remains unclear.

Diagnostic Laboratory, Strasbourg University Hospital
Classification: Uncertain significance for Intellectual disability. Last evaluated: 2020-04-20. Review status: criteria provided, single submitter. Criteria: ACMG Guidelines, 2015. Collection method: clinical testing. Allele origin: paternal. Inheritance: Autosomal recessive inheritance. Affected: yes. Observed: 1 heterozygote.